The following is an entry in ClinVar:

ClinVar aggregate classification (germline): Uncertain significance (1 of 4 stars; one submission).

gnomAD v4.1: 11 of 1,588,792 alleles (0.00069%); highest among the groups gnomAD compares: South Asian, 0.0079%; no homozygotes.

Submission:

GeneDx
Classification: Uncertain significance. Last evaluated: 2024-11-25. Review status: criteria provided, single submitter. Criteria: GeneDx Variant Classification Process June 2021. Collection method: clinical testing. Allele origin: germline. Affected: yes.
Comment: In silico analysis supports that this missense variant has a deleterious effect on protein structure/function; Has not been previously published as pathogenic or benign to our knowledge

NM_005560.6(LAMA5):c.404G>A (p.Arg135His)

Gene: LAMA5 (laminin subunit alpha 5; minus strand). Cytogenetic location: 20q13.33.
Variant type: single nucleotide variant.
Coding change: c.404G>A on transcript NM_005560.6 (MANE Select); coding-DNA position 404, G replaced by A.
Protein change: p.Arg135His; replaces arginine 135 with histidine.
Molecular consequence: missense variant.
Genome position (GRCh38, 1-based): chr20:62,362,446, C>T on the plus strand (G>A on the coding strand, the complement: LAMA5 is on the minus strand). VCF-style: chr20-62362446-C-T. GRCh37 (hg19) VCF-style: chr20-60937502-C-T.
Other names: short protein forms R135H.
Identifiers: ClinVar variation 3900230 (VCV003900230.1).